The following is an entry in ClinVar:

NM_020795.4(NLGN2):c.1955AGCCCG[2] (p.652EP[2])

Gene: NLGN2 (neuroligin 2; plus strand). Cytogenetic location: 17p13.1.
Variant type: Microsatellite.
Coding change: c.1955AGCCCG[2] on transcript NM_020795.4 (MANE Select); two copies in a row of the 6-base unit AGCCCG starting at c.1955; the reference has three copies in a row; one copy, 6 bases deleted.
Protein change: p.652EP[2].
Molecular consequence: inframe deletion.
Genome position (GRCh38, 1-based): chr17:7,417,258-7,417,263, AGCCCG deleted; deleting any 6 consecutive bases within chr17:7,417,242-7,417,263 gives the same sequence; the position shown is the placement nearest the transcript's 3' end. VCF-style (leftmost placement, unchanged base first): chr17-7417241-TCCCGAG-T. GRCh37 (hg19) VCF-style: chr17-7320560-TCCCGAG-T.
Identifiers: ClinVar variation 4748957 (VCV004748957.1).
Genomic context (GRCh38, chr17:7,417,241, plus strand): 5'-GCCTCGTCCCCCCGCTGGCGCCCCGGGCACACGCCGGCCCCCGCCGCCTGCCACCCTGCC[TCCCGAG>T]CCCGAGCCCGAGCCCGGCCCAAGGGCCTATGACCGCTTCCCCGGGGACTCACGGGACTAC-3'

ClinVar aggregate classification (germline): Uncertain significance (1 of 4 stars; one submission).

Submission:

Labcorp Genetics (formerly Invitae), Labcorp
Classification: Uncertain significance. Last evaluated: 2025-10-06. Review status: criteria provided, single submitter. Criteria: Invitae Variant Classification Sherloc (09022015). Collection method: clinical testing. Allele origin: germline.
Comment: This variant, c.1967_1972del, results in the deletion of 2 amino acid(s) of the NLGN2 protein (p.Glu656_Pro657del), but otherwise preserves the integrity of the reading frame. This variant is present in population databases (rs759117838, gnomAD 0.03%). This variant has not been reported in the literature in individuals affected with NLGN2-related conditions. Experimental studies and prediction algorithms are not available or were not evaluated, and the functional significance of this variant is currently unknown. In summary, the available evidence is currently insufficient to determine the role of this variant in disease. Therefore, it has been classified as a Variant of Uncertain Significance.